The following is an entry in ClinVar:

NM_021975.4(RELA):c.1520C>T (p.Ala507Val)

Gene: RELA (RELA proto-oncogene, NF-kB subunit; minus strand). Cytogenetic location: 11q13.1.
Variant type: single nucleotide variant.
Coding change: c.1520C>T on transcript NM_021975.4 (MANE Select); coding-DNA position 1520, C replaced by T.
Protein change: p.Ala507Val; replaces alanine 507 with valine.
Molecular consequence: missense variant. On other transcripts: intron variant (1).
Genome position (GRCh38, 1-based): chr11:65,654,514, G>A on the plus strand (C>T on the coding strand, the complement: RELA is on the minus strand). VCF-style: chr11-65654514-G-A. GRCh37 (hg19) VCF-style: chr11-65421985-G-A.
Other names: c.1511C>T, p.Ala504Val (NM_001145138.2); c.1313C>T, p.Ala438Val (NM_001243984.2); c.1216-5C>T (NM_001243985.2); short protein forms A438V, A504V, A507V.
Identifiers: ClinVar variation 1518064 (VCV001518064.5), dbSNP rs540158560, ClinGen allele CA6106583.

ClinVar aggregate classification (germline): Uncertain significance (1 of 4 stars; one submission).

Allele frequency attached by ClinVar (database versions not stated): gnomAD 0.00001; gnomAD exomes 0.00001 and 0.00002; ExAC 0.00003; 1000 Genomes Project 0.00020; 1000 Genomes Project 30x 0.00031.
gnomAD v4.1: 19 of 1,604,590 alleles (0.0012%); highest among the groups gnomAD compares: South Asian, 0.019%; no homozygotes.

Submission:

Labcorp Genetics (formerly Invitae), Labcorp
Classification: Uncertain significance. Last evaluated: 2025-08-03. Review status: criteria provided, single submitter. Criteria: Invitae Variant Classification Sherloc (09022015). Collection method: clinical testing. Allele origin: germline.
Comment: This sequence change replaces alanine, which is neutral and non-polar, with valine, which is neutral and non-polar, at codon 507 of the RELA protein (p.Ala507Val). This variant is present in population databases (rs540158560, gnomAD 0.01%). This variant has not been reported in the literature in individuals affected with RELA-related conditions. ClinVar contains an entry for this variant (Variation ID: 1518064). An algorithm developed to predict the effect of missense changes on protein structure and function (PolyPhen-2) suggests that this variant is likely to be tolerated. In summary, the available evidence is currently insufficient to determine the role of this variant in disease. Therefore, it has been classified as a Variant of Uncertain Significance.